The following is an entry in ClinVar:

ClinVar aggregate classification (germline): Uncertain significance (1 of 4 stars; one submission).

Allele frequency attached by ClinVar (database versions not stated): gnomAD exomes 0.00001; TOPMed 0.00001; gnomAD 0.00001.

Submission:

Labcorp Genetics (formerly Invitae), Labcorp
Classification: Uncertain significance. Last evaluated: 2022-01-11. Review status: criteria provided, single submitter. Criteria: Invitae Variant Classification Sherloc (09022015). Collection method: clinical testing. Allele origin: germline.
Comment: This variant has not been reported in the literature in individuals affected with MMP14-related conditions. Algorithms developed to predict the effect of missense changes on protein structure and function are either unavailable or do not agree on the potential impact of this missense change (SIFT: "Deleterious"; PolyPhen-2: "Benign"; Align-GVGD: "Class C0"). This variant is present in population databases (no rsID available, gnomAD 0.0009%). This sequence change replaces serine, which is neutral and polar, with phenylalanine, which is neutral and non-polar, at codon 301 of the MMP14 protein (p.Ser301Phe). In summary, the available evidence is currently insufficient to determine the role of this variant in disease. Therefore, it has been classified as a Variant of Uncertain Significance.

NM_004995.4(MMP14):c.902C>T (p.Ser301Phe)

Gene: MMP14 (matrix metallopeptidase 14; plus strand). Cytogenetic location: 14q11.2.
Variant type: single nucleotide variant.
Coding change: c.902C>T on transcript NM_004995.4 (MANE Select); coding-DNA position 902, C replaced by T.
Protein change: p.Ser301Phe; replaces serine 301 with phenylalanine.
Molecular consequence: missense variant.
Genome position (GRCh38, 1-based): chr14:22,843,761, C>T. VCF-style: chr14-22843761-C-T. GRCh37 (hg19) VCF-style: chr14-23312970-C-T.
Other names: short protein forms S301F.
Identifiers: ClinVar variation 2413665 (VCV002413665.6), dbSNP rs974774546, ClinGen allele CA257747084.